The following is an entry in ClinVar:

ClinVar aggregate classification (germline): Uncertain significance (1 of 4 stars; one submission).

Conditions:
Pyogenic arthritis-pyoderma gangrenosum-acne syndrome (PAPA). Also called: FAMILIAL RECURRENT ARTHRITIS; PAPA SYNDROME. Identifiers: Orphanet 69126, MedGen C1858361, MONDO:0011462, OMIM 604416.

gnomAD v4.1: 26 of 1,555,040 alleles (0.0017%); highest among the groups gnomAD compares: Middle Eastern, 0.067%; no homozygotes.

Submission:

Labcorp Genetics (formerly Invitae), Labcorp
Classification: Uncertain significance for Pyogenic arthritis-pyoderma gangrenosum-acne syndrome. Last evaluated: 2026-02-01. Review status: criteria provided, single submitter. Criteria: Invitae Variant Classification Sherloc (09022015). Collection method: clinical testing. Allele origin: germline.
Comment: This sequence change replaces arginine, which is basic and polar, with histidine, which is basic and polar, at codon 99 of the PSTPIP1 protein (p.Arg99His). The frequency data for this variant in the population databases is considered unreliable, as metrics indicate poor data quality at this position in the gnomAD database. This variant has not been reported in the literature in individuals affected with PSTPIP1-related conditions. ClinVar contains an entry for this variant (Variation ID: 2039534). Invitae Evidence Modeling of protein sequence and biophysical properties (such as structural, functional, and spatial information, amino acid conservation, physicochemical variation, residue mobility, and thermodynamic stability) indicates that this missense variant is not expected to disrupt PSTPIP1 protein function with a negative predictive value of 80%. In summary, the available evidence is currently insufficient to determine the role of this variant in disease. Therefore, it has been classified as a Variant of Uncertain Significance.

NM_003978.5(PSTPIP1):c.296G>A (p.Arg99His)

Gene: PSTPIP1 (proline-serine-threonine phosphatase interacting protein 1; plus strand). Cytogenetic location: 15q24.3.
Variant type: single nucleotide variant.
Coding change: c.296G>A on transcript NM_003978.5 (MANE Select); coding-DNA position 296, G replaced by A.
Protein change: p.Arg99His; replaces arginine 99 with histidine.
Molecular consequence: missense variant. On other transcripts: non-coding transcript variant (1).
Genome position (GRCh38, 1-based): chr15:77,025,546, G>A. VCF-style: chr15-77025546-G-A. GRCh37 (hg19) VCF-style: chr15-77317887-G-A.
Other names: c.296G>A, p.Arg99His (NM_001321135.2, NM_001411086.1); c.269G>A, p.Arg90His (NM_001321136.2); c.491G>A, p.Arg164His (NM_001321137.1); short protein forms R164H, R90H, R99H.
Identifiers: ClinVar variation 2039534 (VCV002039534.4), dbSNP rs371065077, ClinGen allele CA273752085.